The following is an entry in ClinVar:

ClinVar aggregate classification (germline): Uncertain significance (1 of 4 stars; one submission).

Allele frequency attached by ClinVar (database versions not stated): ESP Exome Variant Server 0.00008; gnomAD 0.00013; ExAC 0.00022; TOPMed 0.00023.
gnomAD v4.1: 230 of 1,572,740 alleles (0.015%); highest among the groups gnomAD compares: Admixed American, 0.068%; no homozygotes.

Submission:

Labcorp Genetics (formerly Invitae), Labcorp
Classification: Uncertain significance. Last evaluated: 2025-10-26. Review status: criteria provided, single submitter. Criteria: Invitae Variant Classification Sherloc (09022015). Collection method: clinical testing. Allele origin: germline.
Comment: This sequence change replaces arginine, which is basic and polar, with cysteine, which is neutral and slightly polar, at codon 4209 of the FAT2 protein (p.Arg4209Cys). This variant is present in population databases (rs148621159, gnomAD 0.06%), and has an allele count higher than expected for a pathogenic variant. This variant has not been reported in the literature in individuals affected with FAT2-related conditions. ClinVar contains an entry for this variant (Variation ID: 2046552). An algorithm developed to predict the effect of missense changes on protein structure and function outputs the following: PolyPhen-2: "Benign". The cysteine amino acid residue is found in multiple mammalian species, which suggests that this missense change does not adversely affect protein function. In summary, the available evidence is currently insufficient to determine the role of this variant in disease. Therefore, it has been classified as a Variant of Uncertain Significance.

NM_001447.3(FAT2):c.12625C>T (p.Arg4209Cys)

Genes: FAT2 (FAT atypical cadherin 2; minus strand), SLC36A1 (solute carrier family 36 member 1; plus strand). Cytogenetic location: 5q33.1.
Variant type: single nucleotide variant.
Coding change: c.12625C>T on transcript NM_001447.3 (MANE Select); coding-DNA position 12625, C replaced by T.
Protein change: p.Arg4209Cys; replaces arginine 4209 with cysteine.
Molecular consequence: missense variant.
Genome position (GRCh38, 1-based): chr5:151,505,990, G>A on the plus strand (C>T on the coding strand, the complement: FAT2 is on the minus strand). VCF-style: chr5-151505990-G-A. GRCh37 (hg19) VCF-style: chr5-150885551-G-A.
Other names: short protein forms R4209C.
Identifiers: ClinVar variation 2046552 (VCV002046552.4), dbSNP rs148621159, ClinGen allele CA3519717.